The following is an entry in ClinVar:

NM_001349253.2(SCN11A):c.2944C>T (p.Arg982Ter)

Gene: SCN11A (sodium voltage-gated channel alpha subunit 11; minus strand). Cytogenetic location: 3p22.2.
Variant type: single nucleotide variant.
Coding change: c.2944C>T on transcript NM_001349253.2 (MANE Select); coding-DNA position 2944, C replaced by T.
Protein change: p.Arg982Ter; replaces arginine 982 with a stop codon.
Molecular consequence: nonsense.
Genome position (GRCh38, 1-based): chr3:38,886,130, G>A on the plus strand (C>T on the coding strand, the complement: SCN11A is on the minus strand). VCF-style: chr3-38886130-G-A. GRCh37 (hg19) VCF-style: chr3-38927621-G-A.
Other names: p.Arg982*; c.2944C>T, p.Arg982Ter (NM_014139.3); short protein forms R982*.
Identifiers: ClinVar variation 940574 (VCV000940574.10), dbSNP rs145290679, ClinGen allele CA2321920.

ClinVar aggregate classification (germline): Uncertain significance. Review status: criteria provided, multiple submitters, no conflicts (2 of 4 stars). 4 submissions from 4 submitters: Uncertain significance (4). Last evaluated 2025-10-02.

Conditions:
Hereditary sensory and autonomic neuropathy type 7. Also called: Neuropathy, hereditary sensory and autonomic, type VII; HSAN VII. Identifiers: Orphanet 391397, MedGen C3809882, MONDO:0014244, OMIM 615548.
Familial episodic pain syndrome with predominantly lower limb involvement. Also called: Episodic pain syndrome, familial, 3. Identifiers: Orphanet 391384, Orphanet 391392, MedGen C3809899, MONDO:0014247, OMIM 615552.

Allele frequency attached by ClinVar (database versions not stated): ExAC 0.00002; gnomAD exomes 0.00002; TOPMed 0.00003; ESP Exome Variant Server 0.00008.
gnomAD v4.1: 23 of 1,604,484 alleles (0.0014%); highest among the groups gnomAD compares: Non-Finnish European, 0.0017%; no homozygotes.

Submissions (4):

Labcorp Genetics (formerly Invitae), Labcorp
Classification: Uncertain significance for Familial episodic pain syndrome with predominantly lower limb involvement; Hereditary sensory and autonomic neuropathy type 7. Last evaluated: 2025-10-02. Review status: criteria provided, single submitter. Criteria: Invitae Variant Classification Sherloc (09022015). Collection method: clinical testing. Allele origin: germline.
Comment: This sequence change creates a premature translational stop signal (p.Arg982*) in the SCN11A gene. It is expected to result in an absent or disrupted protein product. However, the current clinical and genetic evidence is not sufficient to establish whether loss-of-function variants in SCN11A cause disease. This variant is present in population databases (rs145290679, gnomAD 0.007%). This variant has not been reported in the literature in individuals affected with SCN11A-related conditions. ClinVar contains an entry for this variant (Variation ID: 940574). In summary, the available evidence is currently insufficient to determine the role of this variant in disease. Therefore, it has been classified as a Variant of Uncertain Significance.

Mayo Clinic Laboratories, Mayo Clinic
Classification: Uncertain significance. Last evaluated: 2025-06-24. Review status: criteria provided, single submitter. Criteria: ACMG Guidelines, 2015. Collection method: clinical testing. Allele origin: germline. Observed: 1 variant allele.

Women's Health and Genetics/Laboratory Corporation of America, LabCorp
Classification: Uncertain significance. Last evaluated: 2022-10-12. Review status: criteria provided, single submitter. Criteria: LabCorp Variant Classification Summary - May 2015. Collection method: clinical testing. Allele origin: germline.
Comment: Variant summary: SCN11A c.2944C>T (p.Arg982X) results in a premature termination codon, predicted to cause a truncation of the encoded protein or absence of the protein due to nonsense mediated decay, which are not commonly known mechanisms for disease in this gene. The variant allele was found at a frequency of 2.4e-05 in 250972 control chromosomes. The available data on variant occurrences in the general population are insufficient to allow any conclusion about variant significance. To our knowledge, no occurrence of c.2944C>T in individuals affected with Hereditary Sensory And Autonomic Neuropathy Type 7 and no experimental evidence demonstrating its impact on protein function have been reported. Two clinical diagnostic laboratories have submitted clinical-significance assessments for this variant to ClinVar after 2014 without evidence for independent evaluation. Both laboratories classified the variant as uncertain significance. Based on the evidence outlined above, the variant was classified as uncertain significance.

GeneDx
Classification: Uncertain significance. Last evaluated: 2019-03-01. Review status: criteria provided, single submitter. Criteria: GeneDx Variant Classification Process June 2021. Collection method: clinical testing. Allele origin: germline. Affected: yes.
Comment: Nonsense variant predicted to result in protein truncation or nonsense mediated decay in a gene for which loss-of-function is not a known mechanism of disease; Has not been previously published as pathogenic or benign to our knowledge